The following is an entry in ClinVar:

NM_015021.3(ZNF292):c.1546_1548del (p.Gln516del)

Gene: ZNF292 (zinc finger protein 292; plus strand). Cytogenetic location: 6q14.3.
Variant type: Deletion.
Coding change: c.1546_1548del on transcript NM_015021.3 (MANE Select); coding-DNA positions 1546 to 1548, 3 bases deleted (CAG; older notation c.1546_1548delCAG).
Protein change: p.Gln516del; deletes glutamine 516.
Genome position (GRCh38, 1-based): chr6:87,255,175-87,255,177, CAG deleted; deleting any 3 consecutive bases within chr6:87,255,173-87,255,177 gives the same sequence; the c. name uses the placement nearest the transcript's 3' end. VCF-style (leftmost placement, unchanged base first): chr6-87255172-AAGC-A. GRCh37 (hg19) VCF-style: chr6-87964890-AAGC-A.
Other names: c.1126_1128del, p.Gln376del (NM_001351444.2); short protein forms Q376del, Q516del.
Identifiers: ClinVar variation 4082808 (VCV004082808.1).
Genomic context (GRCh38, chr6:87,255,172, plus strand): 5'-AATGGGCTTTCTGGTGGAGTTGGTGCTAATTCTGGCCTTCTTAAAGACATTGGTGATGAA[AAGC>A]AGAAGAAGAGAGAGATAAAACAGTTAAGAGAGAGGGGATTTATATCTGCTCGGTTTAGGA-3'

ClinVar aggregate classification (germline): Uncertain significance (1 of 4 stars; one submission).

Submission:

GeneDx
Classification: Uncertain significance. Last evaluated: 2025-03-07. Review status: criteria provided, single submitter. Criteria: GeneDx Variant Classification Process June 2021. Collection method: clinical testing. Allele origin: germline. Affected: yes.
Comment: In-frame deletion of 1 amino acid(s) in a non-repeat region; Not observed at significant frequency in large population cohorts (gnomAD); In silico analysis supports a deleterious effect on protein structure/function; Has not been previously published as pathogenic or benign to our knowledge